The following is an entry in ClinVar:

NM_001384900.1(SEMA3D):c.649C>T (p.Arg217Ter)

Gene: SEMA3D (semaphorin 3D; minus strand). Cytogenetic location: 7q21.11.
Variant type: single nucleotide variant.
Coding change: c.649C>T on transcript NM_001384900.1 (MANE Select); coding-DNA position 649, C replaced by T.
Protein change: p.Arg217Ter; replaces arginine 217 with a stop codon.
Molecular consequence: nonsense.
Genome position (GRCh38, 1-based): chr7:85,065,493, G>A on the plus strand (C>T on the coding strand, the complement: SEMA3D is on the minus strand). VCF-style: chr7-85065493-G-A. GRCh37 (hg19) VCF-style: chr7-84694809-G-A.
Other names: c.649C>T, p.Arg217Ter (NM_001384901.1, NM_001384902.1, NM_001384903.1 and 1 more transcripts); short protein forms R217*.
Identifiers: ClinVar variation 3353295 (VCV003353295.1).

ClinVar aggregate classification (germline): Uncertain significance (0 of 4 stars; one submission).

Conditions:
SEMA3D-related disorder. Also called: SEMA3D-related condition.

gnomAD v4.1: 2 of 1,612,230 alleles (0.00012%); highest among the groups gnomAD compares: African/African-American, 0.0013%; no homozygotes.

Submission:

PreventionGenetics, part of Exact Sciences
Classification: Uncertain significance for SEMA3D-related condition. Last evaluated: 2024-08-28. Review status: no assertion criteria provided. Collection method: clinical testing. Allele origin: germline.
Comment: The SEMA3D c.649C>T variant is predicted to result in premature protein termination (p.Arg217*). To our knowledge, this variant has not been reported in the literature. This variant is reported in 0.011% of alleles in individuals of African descent in gnomAD. However, SEMA3D premature termination variants are relatively common in the gnomAD general population database and such variants are not an established mechanism of disease. At this time, the clinical significance of this variant is uncertain due to the absence of conclusive functional and genetic evidence.